The following is an entry in ClinVar:

NM_000057.4(BLM):c.1073G>T (p.Ser358Ile)

Gene: BLM (BLM RecQ like helicase; plus strand). Cytogenetic location: 15q26.1.
Variant type: single nucleotide variant.
Coding change: c.1073G>T on transcript NM_000057.4 (MANE Select); coding-DNA position 1073, G replaced by T.
Protein change: p.Ser358Ile; replaces serine 358 with isoleucine.
Molecular consequence: missense variant. On other transcripts: 5 prime UTR variant (1).
Genome position (GRCh38, 1-based): chr15:90,754,924, G>T. VCF-style: chr15-90754924-G-T. GRCh37 (hg19) VCF-style: chr15-91298154-G-T.
Other names: c.1073G>T, p.Ser358Ile (NM_001287246.2, NM_001287247.2); c.-219G>T (NM_001287248.2); short protein forms S358I.
Identifiers: ClinVar variation 1052438 (VCV001052438.9), dbSNP rs750203166, ClinGen allele CA393842234.

ClinVar aggregate classification (germline): Uncertain significance (1 of 4 stars; one submission).

Conditions:
Bloom syndrome (BLM). Also called: Bloom-Torre-Machacek syndrome. Identifiers: Orphanet 125, MedGen C0005859, MONDO:0008876, OMIM 210900.

Submission:

Labcorp Genetics (formerly Invitae), Labcorp
Classification: Uncertain significance for Bloom syndrome. Last evaluated: 2020-09-02. Review status: criteria provided, single submitter. Criteria: Invitae Variant Classification Sherloc (09022015). Collection method: clinical testing. Allele origin: germline.
Comment: This sequence change replaces serine with isoleucine at codon 358 of the BLM protein (p.Ser358Ile). The serine residue is weakly conserved and there is a large physicochemical difference between serine and isoleucine. This variant is not present in population databases (ExAC no frequency). This variant has not been reported in the literature in individuals with BLM-related conditions. Algorithms developed to predict the effect of missense changes on protein structure and function are either unavailable or do not agree on the potential impact of this missense change (SIFT: "Deleterious"; PolyPhen-2: "Benign"; Align-GVGD: "Class C0"). In summary, the available evidence is currently insufficient to determine the role of this variant in disease. Therefore, it has been classified as a Variant of Uncertain Significance.